The following is an entry in ClinVar:

NM_001243133.2(NLRP3):c.1741C>G (p.Leu581Val)

Gene: NLRP3 (NLR family pyrin domain containing 3; plus strand). Cytogenetic location: 1q44.
Variant type: single nucleotide variant.
Coding change: c.1741C>G on transcript NM_001243133.2 (MANE Select); coding-DNA position 1741, C replaced by G.
Protein change: p.Leu581Val; replaces leucine 581 with valine.
Molecular consequence: missense variant.
Genome position (GRCh38, 1-based): chr1:247,425,190, C>G. VCF-style: chr1-247425190-C-G. GRCh37 (hg19) VCF-style: chr1-247588492-C-G.
Other names: c.1741C>G, p.Leu581Val (NM_001079821.3, NM_001127461.3, NM_001127462.3 and 1 more transcripts); c.1747C>G, p.Leu583Val (NM_004895.5); short protein forms L583V, L581V.
Identifiers: ClinVar variation 1519288 (VCV001519288.6), dbSNP rs756111783, ClinGen allele CA345557707.

ClinVar aggregate classification (germline): Uncertain significance (1 of 4 stars; one submission).

Conditions:
Cryopyrin associated periodic syndrome (CAPS). Identifiers: Orphanet 208650, MedGen C2316212, MONDO:0016168.

Submission:

Labcorp Genetics (formerly Invitae), Labcorp
Classification: Uncertain significance for Cryopyrin associated periodic syndrome. Last evaluated: 2025-02-17. Review status: criteria provided, single submitter. Criteria: Invitae Variant Classification Sherloc (09022015). Collection method: clinical testing. Allele origin: germline.
Comment: This sequence change replaces leucine, which is neutral and non-polar, with valine, which is neutral and non-polar, at codon 583 of the NLRP3 protein (p.Leu583Val). This variant is not present in population databases (gnomAD no frequency). This variant has not been reported in the literature in individuals affected with NLRP3-related conditions. ClinVar contains an entry for this variant (Variation ID: 1519288). Invitae Evidence Modeling of protein sequence and biophysical properties (such as structural, functional, and spatial information, amino acid conservation, physicochemical variation, residue mobility, and thermodynamic stability) indicates that this missense variant is expected to disrupt NLRP3 protein function with a positive predictive value of 95%. In summary, the available evidence is currently insufficient to determine the role of this variant in disease. Therefore, it has been classified as a Variant of Uncertain Significance.